The following is an entry in ClinVar:

NM_005428.4(VAV1):c.2161A>T (p.Met721Leu)

Gene: VAV1 (vav guanine nucleotide exchange factor 1; plus strand). Cytogenetic location: 19p13.3.
Variant type: single nucleotide variant.
Coding change: c.2161A>T on transcript NM_005428.4 (MANE Select); coding-DNA position 2161, A replaced by T.
Protein change: p.Met721Leu; replaces methionine 721 with leucine.
Molecular consequence: missense variant.
Genome position (GRCh38, 1-based): chr19:6,850,701, A>T. VCF-style: chr19-6850701-A-T. GRCh37 (hg19) VCF-style: chr19-6850712-A-T.
Other names: c.2095A>T, p.Met699Leu (NM_001258206.2); c.2065A>T, p.Met689Leu (NM_001258207.2); c.2161A>T (NM_005428.2); short protein forms M689L, M699L, M721L.
Identifiers: ClinVar variation 440401 (VCV000440401.16), dbSNP rs149330066, ClinGen allele CA9132880.

ClinVar aggregate classification (germline): Conflicting classifications of pathogenicity. Review status: criteria provided, conflicting classifications (1 of 4 stars). 3 submissions from 3 submitters: Uncertain significance (2); Likely benign (1). Last evaluated 2025-10-12.

Allele frequency attached by ClinVar (database versions not stated): gnomAD exomes 0.00004; 1000 Genomes Project 0.00020; TOPMed 0.00037; gnomAD 0.00041 and 0.00034; 1000 Genomes Project 30x 0.00047; ESP Exome Variant Server 0.00023.
gnomAD v4.1: 117 of 1,614,084 alleles (0.0072%); highest among the groups gnomAD compares: African/African-American, 0.15%; no homozygotes.

Submissions (3):

Labcorp Genetics (formerly Invitae), Labcorp
Classification: Uncertain significance. Last evaluated: 2025-10-12. Review status: criteria provided, single submitter. Criteria: Invitae Variant Classification Sherloc (09022015). Collection method: clinical testing. Allele origin: germline.
Comment: This sequence change replaces methionine, which is neutral and non-polar, with leucine, which is neutral and non-polar, at codon 721 of the VAV1 protein (p.Met721Leu). This variant is present in population databases (rs149330066, gnomAD 0.2%), and has an allele count higher than expected for a pathogenic variant. This variant has not been reported in the literature in individuals affected with VAV1-related conditions. ClinVar contains an entry for this variant (Variation ID: 440401). An algorithm developed to predict the effect of missense changes on protein structure and function (PolyPhen-2) suggests that this variant is likely to be tolerated. In summary, the available evidence is currently insufficient to determine the role of this variant in disease. Therefore, it has been classified as a Variant of Uncertain Significance.

Ambry Genetics
Classification: Uncertain significance. Last evaluated: 2023-10-10. Review status: criteria provided, single submitter. Criteria: Ambry Variant Classification Scheme 2023. Collection method: clinical testing. Allele origin: germline.

ARUP Laboratories, Molecular Genetics and Genomics, ARUP Laboratories
Classification: Likely benign. Last evaluated: 2016-12-06. Review status: criteria provided, single submitter. Criteria: ARUP Molecular Germline Variant Investigation Process. Collection method: clinical testing. Allele origin: germline.